The following is an entry in ClinVar:

NC_000004.12:g.1395157T>C

Genes: CRIPAK (cysteine rich PAK1 inhibitor; plus strand), UVSSA (UV stimulated scaffold protein A; plus strand), LOC126806945 (P300/CBP strongly-dependent group 1 enhancer GRCh37_chr4:1388225-1389424; plus strand). Cytogenetic location: 4p16.3.
Variant type: single nucleotide variant.
Genome position: GRCh38 VCF-style: chr4-1395157-T-C. GRCh37 (hg19) VCF-style: chr4-1388945-T-C.
Identifiers: ClinVar variation 4681315 (VCV004681315.5).

ClinVar aggregate classification (germline): Likely benign (1 of 4 stars; one submission).

gnomAD v4.1: 734 of 1,120,986 alleles (0.065%); highest among the groups gnomAD compares: African/African-American, 0.31%; 187 homozygotes.

Submission:

CeGaT Center for Human Genetics Tuebingen
Classification: Likely benign. Last evaluated: 2025-12-01. Review status: criteria provided, single submitter. Criteria: CeGaT Center For Human Genetics Tuebingen Variant Classification Criteria Version 2. Collection method: clinical testing. Allele origin: germline. Affected: yes. Observed: 1 variant allele.
Comment: CRIPAK: BP4, BS2